The following is an entry in ClinVar:

ClinVar aggregate classification (germline): Uncertain significance. Review status: criteria provided, multiple submitters, no conflicts (2 of 4 stars). 3 submissions from 3 submitters: Uncertain significance (3). Last evaluated 2026-04-16.

Conditions:
Left ventricular noncompaction 8 (LVNC8). Identifiers: Orphanet 154, Orphanet 54260, MedGen C3809288, MONDO:0014152, OMIM 615373.

Allele frequency attached by ClinVar (database versions not stated): gnomAD 0.00001; gnomAD exomes 0.00001; ExAC 0.00002; TOPMed below 0.00001.

Submissions (3):

Victorian Clinical Genetics Services, Murdoch Childrens Research Institute
Classification: Uncertain significance for Left ventricular noncompaction 8. Last evaluated: 2026-04-16. Review status: criteria provided, single submitter. Criteria: ACMG Guidelines, 2015. Collection method: clinical testing. Allele origin: germline. Affected: yes.
Comment: This variant is classified as VUS-3C. Evidence in support of pathogenic classification: Variant is present in gnomAD <0.001 for a dominant condition (v4: 21 heterozygote(s), 0 homozygote(s)). Evidence in support of benign classification: Missense variant predicted to be tolerated by in silico tool(s) or not conserved in placental mammals with a minor amino acid change. Additional information: Variant is predicted to result in a missense amino acid change from Arg to Gln; This variant is heterozygous; This gene is associated with autosomal dominant disease; Alternative amino acid change(s) at the same position are present in gnomAD (highest allele count: v4: 14 heterozygote(s), 0 homozygote(s)); Previous reports of pathogenicity for this variant are conflicting. This variant has been classified as a VUS by clinical laboratories in ClinVar. This variant has also been reported in the literature in a healthy control group of a DCM cohort study (PMID: 31983221). - No published evidence of segregation with disease has been identified for this variant; No published functional evidence has been identified for this variant; Another missense variant(s) comparable to the one identified in this case has conflicting previous evidence for pathogenicity. p.(Arg246Trp) has been reported in the literature in a DCM cohort study (PMID: 31983221). This variant has also been classified as a VUS and likely benign by clinical laboratories, however further clinical information is unavailable (personal communication). - Variant is located in the annotated C2H2-type zinc finger domain (DECIPHER); Loss of function is a known mechanism of disease in this gene and is associated with dilated cardiomyopathy, 1LL (MM#615373) and left ventricular noncompaction 8 (MIM#615373); Inheritance information for this variant is not currently available in this individual.

Labcorp Genetics (formerly Invitae), Labcorp
Classification: Uncertain significance for Left ventricular noncompaction 8. Last evaluated: 2025-08-01. Review status: criteria provided, single submitter. Criteria: Invitae Variant Classification Sherloc (09022015). Collection method: clinical testing. Allele origin: germline.
Comment: This sequence change replaces arginine, which is basic and polar, with glutamine, which is neutral and polar, at codon 246 of the PRDM16 protein (p.Arg246Gln). This variant is present in population databases (rs754853503, gnomAD 0.004%). This variant has not been reported in the literature in individuals affected with PRDM16-related conditions. ClinVar contains an entry for this variant (Variation ID: 1191962). An algorithm developed to predict the effect of missense changes on protein structure and function (PolyPhen-2) suggests that this variant is likely to be disruptive. In summary, the available evidence is currently insufficient to determine the role of this variant in disease. Therefore, it has been classified as a Variant of Uncertain Significance.

GeneDx
Classification: Uncertain significance. Last evaluated: 2021-02-23. Review status: criteria provided, single submitter. Criteria: GeneDx Variant Classification Process June 2021. Collection method: clinical testing. Allele origin: germline. Affected: yes.
Comment: Has not been previously published as pathogenic or benign to our knowledge; Not observed at a significant frequency in large population cohorts (Lek et al., 2016); In silico analysis supports that this missense variant does not alter protein structure/function; This variant is associated with the following publications: (PMID: 27698795)

Literature cited by the submitters: PubMed 31983221 (cited by Victorian Clinical Genetics Services, Murdoch Childrens Research Institute).

NM_022114.4(PRDM16):c.737G>A (p.Arg246Gln)

Gene: PRDM16 (PR/SET domain 16; plus strand). Cytogenetic location: 1p36.32.
Variant type: single nucleotide variant.
Coding change: c.737G>A on transcript NM_022114.4 (MANE Select); coding-DNA position 737, G replaced by A.
Protein change: p.Arg246Gln; replaces arginine 246 with glutamine.
Molecular consequence: missense variant.
Genome position (GRCh38, 1-based): chr1:3,402,851, G>A. VCF-style: chr1-3402851-G-A. GRCh37 (hg19) VCF-style: chr1-3319415-G-A.
Other names: c.737G>A, p.Arg246Gln (NM_199454.3); short protein forms R246Q.
Identifiers: ClinVar variation 1191962 (VCV001191962.9), dbSNP rs754853503, ClinGen allele CA543946.